The following is an entry in ClinVar:

ClinVar aggregate classification (germline): Uncertain significance. Review status: criteria provided, multiple submitters, no conflicts (2 of 4 stars). 3 submissions from 3 submitters: Uncertain significance (3). Last evaluated 2025-07-21.

Conditions:
Combined oxidative phosphorylation defect type 8. Also called: CARDIOMYOPATHY, HYPERTROPHIC MITOCHONDRIAL, FATAL INFANTILE. Identifiers: Orphanet 319504, MedGen C4518839, MONDO:0013570, OMIM 614096.

Allele frequency attached by ClinVar (database versions not stated): gnomAD 0.00003; ExAC 0.00004; gnomAD exomes 0.00004 and 0.00006; TOPMed 0.00007.
gnomAD v4.1: 62 of 1,613,526 alleles (0.0038%); highest among the groups gnomAD compares: Middle Eastern, 0.18%; no homozygotes.

Submissions (3):

Labcorp Genetics (formerly Invitae), Labcorp
Classification: Uncertain significance. Last evaluated: 2025-07-21. Review status: criteria provided, single submitter. Criteria: Invitae Variant Classification Sherloc (09022015). Collection method: clinical testing. Allele origin: germline.
Comment: This sequence change replaces valine, which is neutral and non-polar, with methionine, which is neutral and non-polar, at codon 323 of the AARS2 protein (p.Val323Met). This variant is present in population databases (rs770774995, gnomAD 0.009%). This variant has not been reported in the literature in individuals affected with AARS2-related conditions. ClinVar contains an entry for this variant (Variation ID: 357075). Invitae Evidence Modeling of protein sequence and biophysical properties (such as structural, functional, and spatial information, amino acid conservation, physicochemical variation, residue mobility, and thermodynamic stability) indicates that this missense variant is expected to disrupt AARS2 protein function with a positive predictive value of 80%. In summary, the available evidence is currently insufficient to determine the role of this variant in disease. Therefore, it has been classified as a Variant of Uncertain Significance.

Illumina Laboratory Services, Illumina
Classification: Uncertain significance for Combined oxidative phosphorylation defect type 8. Last evaluated: 2018-01-13. Review status: criteria provided, single submitter. Criteria: ICSL Variant Classification Criteria 13 December 2019. Collection method: clinical testing. Allele origin: germline.

Breakthrough Genomics
Classification: Uncertain significance. Review status: criteria provided, single submitter. Criteria: ACMG Guidelines, 2015. Collection method: not provided. Allele origin: germline. Inheritance: Autosomal recessive inheritance. Affected: yes.

NM_020745.4(AARS2):c.967G>A (p.Val323Met)

Gene: AARS2 (alanyl-tRNA synthetase 2, mitochondrial; minus strand). Cytogenetic location: 6p21.1.
Variant type: single nucleotide variant.
Coding change: c.967G>A on transcript NM_020745.4 (MANE Select); coding-DNA position 967, G replaced by A.
Protein change: p.Val323Met; replaces valine 323 with methionine.
Molecular consequence: missense variant.
Genome position (GRCh38, 1-based): chr6:44,307,322, C>T on the plus strand (G>A on the coding strand, the complement: AARS2 is on the minus strand). VCF-style: chr6-44307322-C-T. GRCh37 (hg19) VCF-style: chr6-44275059-C-T.
Other names: short protein forms V323M.
Identifiers: ClinVar variation 357075 (VCV000357075.9), dbSNP rs770774995, ClinGen allele CA3834496.